The following is an entry in ClinVar:

NM_052813.5(CARD9):c.636G>A (p.Gln212=)

Gene: CARD9 (caspase recruitment domain family member 9; minus strand). Cytogenetic location: 9q34.3.
Variant type: single nucleotide variant.
Coding change: c.636G>A on transcript NM_052813.5 (MANE Select); coding-DNA position 636, G replaced by A.
Protein change: p.Gln212=; no amino-acid change (glutamine 212 retained).
Molecular consequence: synonymous variant.
Genome position (GRCh38, 1-based): chr9:136,370,693, C>T on the plus strand (G>A on the coding strand, the complement: CARD9 is on the minus strand). VCF-style: chr9-136370693-C-T. GRCh37 (hg19) VCF-style: chr9-139265145-C-T.
Other names: c.636G>A, p.Gln212= (NM_052814.4).
Identifiers: ClinVar variation 1144015 (VCV001144015.10), dbSNP rs759411705, ClinGen allele CA5333016.

ClinVar aggregate classification (germline): Conflicting classifications of pathogenicity. Review status: criteria provided, conflicting classifications (1 of 4 stars). 3 submissions from 3 submitters: Uncertain significance (1); Likely benign (2). Last evaluated 2025-03-09.

Conditions:
Predisposition to invasive fungal disease due to CARD9 deficiency (IMD103). Also called: IMMUNODEFICIENCY 103, SUSCEPTIBILITY TO FUNGAL INFECTIONS; Candidiasis, familial, 2, autosomal recessive; CARD9 IMMUNODEFICIENCY. Identifiers: Orphanet 457088, MedGen C1859353, MONDO:0008905, OMIM 212050.

Allele frequency attached by ClinVar (database versions not stated): gnomAD 0.00001; TOPMed 0.00002; gnomAD exomes 0.00003; ExAC 0.00004.
gnomAD v4.1: 47 of 1,612,622 alleles (0.0029%); highest among the groups gnomAD compares: Non-Finnish European, 0.0036%; no homozygotes.

Submissions (3):

Labcorp Genetics (formerly Invitae), Labcorp
Classification: Likely benign for Predisposition to invasive fungal disease due to CARD9 deficiency. Last evaluated: 2025-03-09. Review status: criteria provided, single submitter. Criteria: Invitae Variant Classification Sherloc (09022015). Collection method: clinical testing. Allele origin: germline.

Center for Genomics, Ann and Robert H. Lurie Children's Hospital of Chicago
Classification: Uncertain significance for Predisposition to invasive fungal disease due to CARD9 deficiency. Last evaluated: 2021-03-30. Review status: criteria provided, single submitter. Criteria: ACMG Guidelines, 2015. Collection method: clinical testing. Allele origin: germline.
Comment: CARD9 NM_052813.4 exon 5 p.Gln212= (c.636G>A): This variant has not been reported in the literature but is present in 0.005% (6/111300) of European alleles in the Genome Aggregation Database. Evolutionary conservation and computational predictive tools for this variant are limited or unavailable. Of note, this variant is a silent variant and does not change the amino acid, reducing the probability that this variant is disease causing. In summary, data on this variant suggests that this variant does not cause disease, but requires further evidence. Therefore this variant is classified as likely benign.

Blueprint Genetics
Classification: Likely benign. Last evaluated: 2020-09-18. Review status: criteria provided, single submitter. Criteria: ACMG Guidelines, 2015. Collection method: clinical testing. Allele origin: germline.